The following is an entry in ClinVar:

NM_005476.7(GNE):c.2093T>C (p.Val698Ala)

Gene: GNE (glucosamine (UDP-N-acetyl)-2-epimerase/N-acetylmannosamine kinase; minus strand). Cytogenetic location: 9p13.3.
Variant type: single nucleotide variant.
Coding change: c.2093T>C on transcript NM_005476.7 (MANE Select); coding-DNA position 2093, T replaced by C.
Protein change: p.Val698Ala; replaces valine 698 with alanine.
Molecular consequence: missense variant.
Genome position (GRCh38, 1-based): chr9:36,217,441, A>G on the plus strand (T>C on the coding strand, the complement: GNE is on the minus strand). VCF-style: chr9-36217441-A-G. GRCh37 (hg19) VCF-style: chr9-36217438-A-G.
Other names: c.2186T>C, p.Val729Ala (NM_001128227.3); c.1871T>C, p.Val624Ala (NM_001190383.3); c.1763T>C, p.Val588Ala (NM_001190384.3); c.1916T>C, p.Val639Ala (NM_001190388.2, NM_001374798.1); c.1940T>C, p.Val647Ala (NM_001374797.1); short protein forms V588A, V698A, V624A, V647A, V729A, V639A.
Identifiers: ClinVar variation 951257 (VCV000951257.9), dbSNP rs1587270856, ClinGen allele CA373424351.

ClinVar aggregate classification (germline): Uncertain significance (1 of 4 stars; one submission).

Conditions:
Sialuria. Also called: SIALURIA, FRENCH TYPE; Sialic Acid Storage Disease. Identifiers: Orphanet 3166, MedGen C0342853, MONDO:0010028, OMIM 269921.
GNE myopathy (NM). Also called: NONAKA DISTAL MYOPATHY; MYOPATHY, DISTAL, WITH OR WITHOUT RIMMED VACUOLES; INCLUSION BODY MYOPATHY, HEREDITARY, AUTOSOMAL RECESSIVE; INCLUSION BODY MYOPATHY 2, AUTOSOMAL RECESSIVE; IBM 2; Inclusion body myopathy autosomal recessive. Identifiers: Orphanet 602, MedGen C1853926, MONDO:0011603, OMIM 605820.

Submission:

Labcorp Genetics (formerly Invitae), Labcorp
Classification: Uncertain significance for Sialuria; GNE myopathy. Last evaluated: 2023-07-10. Review status: criteria provided, single submitter. Criteria: Invitae Variant Classification Sherloc (09022015). Collection method: clinical testing. Allele origin: germline.
Comment: In summary, the available evidence is currently insufficient to determine the role of this variant in disease. Therefore, it has been classified as a Variant of Uncertain Significance. Advanced modeling of protein sequence and biophysical properties (such as structural, functional, and spatial information, amino acid conservation, physicochemical variation, residue mobility, and thermodynamic stability) has been performed at Invitae for this missense variant, however the output from this modeling did not meet the statistical confidence thresholds required to predict the impact of this variant on GNE protein function. ClinVar contains an entry for this variant (Variation ID: 951257). This variant has not been reported in the literature in individuals affected with GNE-related conditions. This variant is not present in population databases (gnomAD no frequency). This sequence change replaces valine, which is neutral and non-polar, with alanine, which is neutral and non-polar, at codon 729 of the GNE protein (p.Val729Ala).